The following is an entry in ClinVar:

ClinVar aggregate classification (germline): Uncertain significance. Review status: criteria provided, multiple submitters, no conflicts (2 of 4 stars). 2 submissions from 2 submitters: Uncertain significance (2). Last evaluated 2024-11-15.

Conditions:
RASopathy. Also called: rasopathies; Noonan spectrum disorder. Identifiers: Orphanet 536391, MedGen C5555857, MONDO:0021060.
Cardiovascular phenotype. Identifiers: MedGen CN230736.

Submissions (2):

Ambry Genetics
Classification: Uncertain significance for Cardiovascular phenotype. Last evaluated: 2024-11-15. Review status: criteria provided, single submitter. Criteria: Ambry Variant Classification Scheme 2023. Collection method: clinical testing. Allele origin: germline.

Labcorp Genetics (formerly Invitae), Labcorp
Classification: Uncertain significance for RASopathy. Last evaluated: 2021-10-12. Review status: criteria provided, single submitter. Criteria: Invitae Variant Classification Sherloc (09022015). Collection method: clinical testing. Allele origin: germline.
Comment: This sequence change replaces lysine with arginine at codon 109 of the SHOC2 protein (p.Lys109Arg). The lysine residue is highly conserved and there is a small physicochemical difference between lysine and arginine. This variant is not present in population databases (ExAC no frequency). This variant has not been reported in the literature in individuals affected with SHOC2-related conditions. Algorithms developed to predict the effect of missense changes on protein structure and function (SIFT, PolyPhen-2, Align-GVGD) all suggest that this variant is likely to be tolerated. Algorithms developed to predict the effect of sequence changes on RNA splicing suggest that this variant may create or strengthen a splice site. In summary, the available evidence is currently insufficient to determine the role of this variant in disease. Therefore, it has been classified as a Variant of Uncertain Significance.

NM_007373.4(SHOC2):c.326A>G (p.Lys109Arg)

Gene: SHOC2 (SHOC2 leucine rich repeat scaffold protein; plus strand). Cytogenetic location: 10q25.2.
Variant type: single nucleotide variant.
Coding change: c.326A>G on transcript NM_007373.4 (MANE Select); coding-DNA position 326, A replaced by G.
Protein change: p.Lys109Arg; replaces lysine 109 with arginine.
Molecular consequence: missense variant.
Genome position (GRCh38, 1-based): chr10:110,964,684, A>G. VCF-style: chr10-110964684-A-G. GRCh37 (hg19) VCF-style: chr10-112724442-A-G.
Other names: c.326A>G (NM_007373.3); c.326A>G, p.Lys109Arg (NM_001269039.3, NM_001324336.2, NM_001324337.2); short protein forms K109R.
Identifiers: ClinVar variation 1493406 (VCV001493406.7), dbSNP rs2134121410, ClinGen allele CA378384107.